The following is an entry in ClinVar:

NM_001040108.2(MLH3):c.2977C>A (p.Gln993Lys)

Gene: MLH3 (mutL homolog 3; minus strand). Cytogenetic location: 14q24.3.
Variant type: single nucleotide variant.
Coding change: c.2977C>A on transcript NM_001040108.2 (MANE Select); coding-DNA position 2977, C replaced by A.
Protein change: p.Gln993Lys; replaces glutamine 993 with lysine.
Molecular consequence: missense variant.
Genome position (GRCh38, 1-based): chr14:75,046,679, G>T on the plus strand (C>A on the coding strand, the complement: MLH3 is on the minus strand). VCF-style: chr14-75046679-G-T. GRCh37 (hg19) VCF-style: chr14-75513382-G-T.
Other names: c.2977C>A, p.Gln993Lys (NM_014381.3); short protein forms Q993K.
Identifiers: ClinVar variation 3232512 (VCV003232512.1), dbSNP rs2139551012, ClinGen allele CA390437127.
Genomic context (GRCh38, chr14:75,046,679, plus strand): 5'-TGGCATCTTCTACCGGATTCATTAACATTCCACTGGGAGAGTCAAGACTTCCTATCTGTT[G>T]TTCTGAGGCTCTGATAAGAACATCTGAATCTTTACCGGTAACTTTAGAATTATTATAGGG-3'
Protein context (NP_001035197.1, residues 983-1003): DSDVLIRASE[Gln993Lys]QIGSLDSPSG

ClinVar aggregate classification (germline): Uncertain significance (1 of 4 stars; one submission).

Allele frequency attached by ClinVar (database versions not stated): gnomAD exomes below 0.00001.
gnomAD v4.1: 1 of 1,614,174 alleles (0.000062%); highest among the groups gnomAD compares: Non-Finnish European, 0.000085%; no homozygotes.

Submission:

Ambry Genetics
Classification: Uncertain significance. Last evaluated: 2023-11-11. Review status: criteria provided, single submitter. Criteria: Ambry Variant Classification Scheme 2023. Collection method: clinical testing. Allele origin: germline.
Comment: The p.Q993K variant (also known as c.2977C>A), located in coding exon 1 of the MLH3 gene, results from a C to A substitution at nucleotide position 2977. The glutamine at codon 993 is replaced by lysine, an amino acid with similar properties. This amino acid position is conserved. In addition, this alteration is predicted to be tolerated by in silico analysis. Since supporting evidence is limited at this time, the clinical significance of this alteration remains unclear.